The following is an entry in ClinVar:

ClinVar aggregate classification (germline): Benign/Likely benign. Review status: criteria provided, multiple submitters, no conflicts (2 of 4 stars). 5 submissions from 5 submitters: Benign (1); Likely benign (2). 2 of the submissions do not count toward it. Last evaluated 2026-01-25.

Conditions:
ITGA2B-related disorder. Also called: ITGA2B-related condition; ITGA2B-related disorders.
Platelet-type bleeding disorder 16 (BDPLT16). Also called: Bleeding disorder, platelet-type, 16, autosomal dominant. Identifiers: Orphanet 140957, MedGen C5442010, MONDO:0008552, OMIM 187800.
Glanzmann thrombasthenia. Also called: THROMBASTHENIA OF GLANZMANN AND NAEGELI; Glanzmann's thrombasthenia; Thrombasthenia; PLATELET GLYCOPROTEIN IIb-IIIa DEFICIENCY. Identifiers: Orphanet 849, MedGen C0040015, MONDO:0100326.

Allele frequency attached by ClinVar (database versions not stated): ESP Exome Variant Server 0.00238; 1000 Genomes Project 0.00260; 1000 Genomes Project 30x 0.00234; ExAC 0.00068; TOPMed 0.00269.
gnomAD v4.1: 639 of 1,614,116 alleles (0.04%); highest among the groups gnomAD compares: African/African-American, 0.78%; 2 homozygotes.

Submissions (5):

Labcorp Genetics (formerly Invitae), Labcorp
Classification: Benign for Glanzmann thrombasthenia. Last evaluated: 2026-01-25. Review status: criteria provided, single submitter. Criteria: Invitae Variant Classification Sherloc (09022015). Collection method: clinical testing. Allele origin: germline.

Women's Health and Genetics/Laboratory Corporation of America, LabCorp
Classification: Likely benign. Last evaluated: 2024-02-19. Review status: criteria provided, single submitter. Criteria: LabCorp Variant Classification Summary - May 2015. Collection method: clinical testing. Allele origin: germline.

Illumina Laboratory Services, Illumina
Classification: Likely benign for Glanzmann thrombasthenia 1. Last evaluated: 2018-01-12. Review status: criteria provided, single submitter. Criteria: ICSL Variant Classification Criteria 13 December 2019. Collection method: clinical testing. Allele origin: germline.
Comment: This variant was observed in the ICSL laboratory as part of a predisposition screen in an ostensibly healthy population. It had not been previously curated by ICSL or reported in the Human Gene Mutation Database (HGMD: prior to June 1st, 2018), and was therefore a candidate for classification through an automated scoring system. Utilizing variant allele frequency, disease prevalence and penetrance estimates, and inheritance mode, an automated score was calculated to assess if this variant is too frequent to cause the disease. Based on the score and internal cut-off values, a variant classified as likely benign is not then subjected to further curation. The score for this variant resulted in a classification of likely benign for this disease.

Zotz-Klimas Genetics Lab, MVZ Zotz Klimas
Classification: Uncertain significance for Platelet-type bleeding disorder 16. Last evaluated: 2023-11-24. Review status: no assertion criteria provided. Collection method: clinical testing. Allele origin: germline. Affected: yes. Not counted in ClinVar's aggregate classification.

PreventionGenetics, part of Exact Sciences
Classification: Benign for ITGA2B-related condition. Last evaluated: 2019-08-23. Review status: no assertion criteria provided. Collection method: clinical testing. Allele origin: germline. Not counted in ClinVar's aggregate classification.
Comment: This variant is classified as benign based on ACMG/AMP sequence variant interpretation guidelines (Richards et al. 2015 PMID: 25741868, with internal and published modifications).

NM_000419.5(ITGA2B):c.2349-11G>A

Gene: ITGA2B (integrin subunit alpha 2b; minus strand). Cytogenetic location: 17q21.31.
Variant type: single nucleotide variant.
Coding change: c.2349-11G>A on transcript NM_000419.5 (MANE Select); 11 bases into the intron before coding-DNA position 2349, G replaced by A.
Molecular consequence: intron variant.
Genome position (GRCh38, 1-based): chr17:44,376,195, C>T on the plus strand (G>A on the coding strand, the complement: ITGA2B is on the minus strand). VCF-style: chr17-44376195-C-T. GRCh37 (hg19) VCF-style: chr17-42453563-C-T.
Other names: c.2349-11G>A (NM_000419.4).
Identifiers: ClinVar variation 890527 (VCV000890527.12), dbSNP rs199682503, ClinGen allele CA8602708.